The following is an entry in ClinVar:

NM_015335.5(MED13L):c.5626_5633del (p.Leu1876fs)

Gene: MED13L (mediator complex subunit 13L; minus strand). Cytogenetic location: 12q24.21.
Variant type: Deletion.
Coding change: c.5626_5633del on transcript NM_015335.5 (MANE Select); coding-DNA positions 5626 to 5633, 8 bases deleted (CTACAGAA; older notation c.5626_5633delCTACAGAA).
Protein change: p.Leu1876fs; shifts the reading frame from leucine 1876.
Molecular consequence: frameshift variant.
Genome position (GRCh38, 1-based): chr12:115,975,269-115,975,276, TTCTGTAG deleted on the plus strand (CTACAGAA on the coding strand, the reverse complement: MED13L is on the minus strand); deleting any 8 consecutive bases within chr12:115,975,269-115,975,277 gives the same sequence; the c. name uses the placement nearest the transcript's 3' end. VCF-style (leftmost placement, unchanged base first): chr12-115975268-CTTCTGTAG-C. GRCh37 (hg19) VCF-style: chr12-116413073-CTTCTGTAG-C.
Other names: short protein forms L1876fs.
Identifiers: ClinVar variation 976118 (VCV000976118.1), dbSNP rs1876855942, ClinGen allele CA1139662897.

ClinVar aggregate classification (germline): Likely pathogenic (1 of 4 stars; one submission).

Conditions:
Cardiac anomalies - developmental delay - facial dysmorphism syndrome (MRFACD). Also called: Impaired intellectual development and distinctive facial features with or without cardiac defects; MED13L Syndrome. Identifiers: Orphanet 369891, MedGen C5192431, MONDO:0014773, OMIM 616789.

Submission:

Institute of Human Genetics, University of Leipzig Medical Center
Classification: Likely pathogenic for Cardiac anomalies - developmental delay - facial dysmorphism syndrome. Last evaluated: 2017-09-14. Review status: criteria provided, single submitter. Criteria: ACMG Guidelines, 2015. Collection method: clinical testing. Allele origin: de novo. Affected: yes. Observed: 1 variant allele.
Comment: This variant was identified as de novo (maternity and paternity confirmed).